The following is an entry in ClinVar:

NM_000548.5(TSC2):c.2784del (p.Glu929fs)

Gene: TSC2 (TSC complex subunit 2; plus strand). Cytogenetic location: 16p13.3.
Variant type: Deletion.
Coding change: c.2784del on transcript NM_000548.5 (MANE Select); coding-DNA position 2784, one base deleted (C; older notation c.2784delC).
Protein change: p.Glu929fs; shifts the reading frame from glutamic acid 929.
Molecular consequence: frameshift variant.
Genome position (GRCh38, 1-based): chr16:2,076,532, C deleted; the last of 5 consecutive C bases (chr16:2,076,528-2,076,532); deleting any one gives the same sequence. VCF-style (leftmost placement, unchanged base first): chr16-2076527-AC-A. GRCh37 (hg19) VCF-style: chr16-2126528-AC-A.
Other names: c.2784del, p.Glu929fs (NM_001077183.3, NM_001114382.3, NM_001363528.2 and 3 more transcripts); c.2673del, p.Glu892fs (NM_001318827.2); c.2637del, p.Glu880fs (NM_001318829.2); c.2184del, p.Glu729fs (NM_001318831.2); c.2817del, p.Glu940fs (NM_001318832.2); short protein forms E729fs, E892fs, E929fs, E940fs, E880fs.
Identifiers: ClinVar variation 49232 (VCV000049232.4), dbSNP rs34245038, ClinGen allele CA018178.

ClinVar aggregate classification (germline): Pathogenic. Review status: criteria provided, multiple submitters, no conflicts (2 of 4 stars). 3 submissions from 3 submitters: Pathogenic (2). 1 of the submissions does not count toward it. Last evaluated 2024-04-24.

Conditions:
Tuberous sclerosis syndrome (TSC). Also called: Tuberous Sclerosis Complex; Tuberous sclerosis. Identifiers: Orphanet 805, MedGen C0041341, MONDO:0001734.
Tuberous sclerosis 2 (TSC2). Identifiers: Orphanet 805, MedGen C1860707, MONDO:0013199, OMIM 613254.

Submissions (3):

Molecular Pathology, Peter Maccallum Cancer Centre
Classification: Pathogenic for Tuberous sclerosis 2. Last evaluated: 2024-04-24. Review status: criteria provided, single submitter. Criteria: ACMG Guidelines, 2015. Collection method: clinical testing. Allele origin: germline. Inheritance: Autosomal dominant inheritance.

GeneDx
Classification: Pathogenic. Last evaluated: 2024-02-12. Review status: criteria provided, single submitter. Criteria: GeneDx Variant Classification Process June 2021. Collection method: clinical testing. Allele origin: germline. Affected: yes.
Comment: Frameshift variant predicted to result in protein truncation or nonsense mediated decay in a gene for which loss of function is a known mechanism of disease; Not observed at significant frequency in large population cohorts (gnomAD); This variant is associated with the following publications: (PMID: 9829910)

Tuberous sclerosis database (TSC2)
No classification provided. Condition: TSC. Review status: no classification provided. Criteria: Tuberous Sclerosis Database Assertion Criteria 2015. Collection method: curation. Allele origin: germline. Affected: yes. Not counted in ClinVar's aggregate classification.